The following is an entry in ClinVar:

ClinVar aggregate classification (germline): Uncertain significance (1 of 4 stars; one submission).

Conditions:
Hereditary insensitivity to pain with anhidrosis (CIPA). Also called: hereditary sensory and autonomic neuropathy type 4; HSAN Type IV; FAMILIAL DYSAUTONOMIA, TYPE II; NEUROPATHY, CONGENITAL SENSORY, WITH ANHIDROSIS; NTRK1 Congenital Insensitivity to Pain with Anhidrosis; INSENSITIVITY TO PAIN, CONGENITAL, WITH ANHIDROSIS. Identifiers: Orphanet 642, MedGen C0020074, MONDO:0009746, OMIM 256800.

Submission:

Labcorp Genetics (formerly Invitae), Labcorp
Classification: Uncertain significance for Hereditary insensitivity to pain with anhidrosis. Last evaluated: 2022-03-20. Review status: criteria provided, single submitter. Criteria: Invitae Variant Classification Sherloc (09022015). Collection method: clinical testing. Allele origin: germline.
Comment: Advanced modeling of protein sequence and biophysical properties (such as structural, functional, and spatial information, amino acid conservation, physicochemical variation, residue mobility, and thermodynamic stability) performed at Invitae indicates that this missense variant is not expected to disrupt NTRK1 protein function. This sequence change replaces serine, which is neutral and polar, with phenylalanine, which is neutral and non-polar, at codon 312 of the NTRK1 protein (p.Ser312Phe). This variant is not present in population databases (gnomAD no frequency). This variant has not been reported in the literature in individuals affected with NTRK1-related conditions. In summary, the available evidence is currently insufficient to determine the role of this variant in disease. Therefore, it has been classified as a Variant of Uncertain Significance.

NM_002529.4(NTRK1):c.935C>T (p.Ser312Phe)

Gene: NTRK1 (neurotrophic receptor tyrosine kinase 1; plus strand). Cytogenetic location: 1q23.1.
Variant type: single nucleotide variant.
Coding change: c.935C>T on transcript NM_002529.4 (MANE Select); coding-DNA position 935, C replaced by T.
Protein change: p.Ser312Phe; replaces serine 312 with phenylalanine.
Molecular consequence: missense variant.
Genome position (GRCh38, 1-based): chr1:156,873,717, C>T. VCF-style: chr1-156873717-C-T. GRCh37 (hg19) VCF-style: chr1-156843509-C-T.
Other names: c.935C>T, p.Ser312Phe (NM_001007204.1, NM_001012331.2); c.845C>T, p.Ser282Phe (NM_001007792.1); short protein forms S282F, S312F.
Identifiers: ClinVar variation 2190587 (VCV002190587.4), dbSNP rs954769021, ClinGen allele CA342935787.
Genomic context (GRCh38, chr1:156,873,717, plus strand): 5'-CGGCGGTGGAGATGCACCACTGGTGCATCCCCTTCTCTGTGGATGGGCAGCCGGCACCGT[C>T]TCTGCGCTGGCTCTTCAATGGCTCCGTGCTCAATGAGACCAGCTTCATCTTCACTGAGTT-3'
Protein context (NP_002520.2, residues 302-322): PFSVDGQPAP[Ser312Phe]LRWLFNGSVL